The following is an entry in ClinVar:

ClinVar aggregate classification (germline): Conflicting classifications of pathogenicity. Review status: criteria provided, conflicting classifications (1 of 4 stars). 11 submissions from 11 submitters: Uncertain significance (1); Benign (1); Likely benign (6). 3 of the submissions do not count toward it. Last evaluated 2026-02-02.

Conditions:
Inborn genetic diseases. Identifiers: MedGen C0950123, MeSH D030342.
Usher syndrome type 2A. Also called: USHER SYNDROME, TYPE IIA; RETINAL DISEASE IN USHER SYNDROME TYPE IIA, MODIFIER OF. Identifiers: Orphanet 231178, Orphanet 886, MedGen C1848634, MONDO:0010169, OMIM 276901.

Allele frequency attached by ClinVar (database versions not stated): ExAC 0.00066; gnomAD exomes 0.00069; gnomAD 0.00076 and 0.00077; TOPMed 0.00081; ESP Exome Variant Server 0.00100.
gnomAD v4.1: 1,644 of 1,614,016 alleles (0.1%); highest among the groups gnomAD compares: Non-Finnish European, 0.13%; 1 homozygote.

Submissions (11):

Labcorp Genetics (formerly Invitae), Labcorp
Classification: Likely benign. Last evaluated: 2026-02-02. Review status: criteria provided, single submitter. Criteria: Invitae Variant Classification Sherloc (09022015). Collection method: clinical testing. Allele origin: germline.

Blueprint Genetics
Classification: Likely benign. Last evaluated: 2024-11-25. Review status: criteria provided, single submitter. Criteria: ACMG Guidelines, 2015. Collection method: clinical testing. Allele origin: germline.

Ambry Genetics
Classification: Likely benign for Inborn genetic diseases. Last evaluated: 2024-11-24. Review status: criteria provided, single submitter. Criteria: Ambry Variant Classification Scheme 2023. Collection method: clinical testing. Allele origin: germline.

CeGaT Center for Human Genetics Tuebingen
Classification: Likely benign. Last evaluated: 2024-09-01. Review status: criteria provided, single submitter. Criteria: CeGaT Center For Human Genetics Tuebingen Variant Classification Criteria Version 2. Collection method: clinical testing. Allele origin: germline. Affected: yes. Observed: 6 variant alleles.
Comment: USH2A: BP4, BP7

ARUP Laboratories, Molecular Genetics and Genomics, ARUP Laboratories
Classification: Benign. Last evaluated: 2019-11-16. Review status: criteria provided, single submitter. Criteria: ARUP Molecular Germline Variant Investigation Process. Collection method: clinical testing. Allele origin: germline.

GeneDx
Classification: Likely benign. Last evaluated: 2019-09-19. Review status: criteria provided, single submitter. Criteria: GeneDx Variant Classification Process June 2021. Collection method: clinical testing. Allele origin: germline. Affected: yes.

Eurofins Ntd Llc (ga)
Classification: Uncertain significance. Last evaluated: 2018-03-29. Review status: criteria provided, single submitter. Criteria: EGL ClinVar v180209 classification definitions. Collection method: clinical testing. Allele origin: germline. Observed: 2 variant alleles, 2 heterozygotes.

Laboratory for Molecular Medicine, Mass General Brigham Personalized Medicine
Classification: Likely benign. Last evaluated: 2014-12-17. Review status: criteria provided, single submitter. Criteria: LMM Criteria. Collection method: clinical testing. Allele origin: germline. Observed: 7 variant alleles.
Comment: p.Thr4888Thr in exon 67 of USH2A: This variant is not expected to have clinical significance because it does not alter an amino acid residue and is not located near a splice junction. It has been identified in 0.1% (73/67624) of European ch romosomes by the Exome Aggregation Consortium (d bSNP rs111033525).

Natera, Inc.
Classification: Uncertain significance for Usher syndrome type 2A. Last evaluated: 2020-01-08. Review status: no assertion criteria provided. Collection method: clinical testing. Allele origin: germline. Not counted in ClinVar's aggregate classification.

Clinical Genetics DNA and cytogenetics Diagnostics Lab, Erasmus MC, Erasmus Medical Center
Classification: Likely benign. Review status: no assertion criteria provided. Collection method: clinical testing. Allele origin: germline. Affected: yes. Study: VKGL Data-share Consensus. Not counted in ClinVar's aggregate classification.

Clinical Genetics, Academic Medical Center
Classification: Likely benign. Review status: no assertion criteria provided. Collection method: clinical testing. Allele origin: germline. Affected: yes. Study: VKGL Data-share Consensus. Not counted in ClinVar's aggregate classification.

NM_206933.4(USH2A):c.14664G>A (p.Thr4888=)

Gene: USH2A (usherin; minus strand). Cytogenetic location: 1q41.
Variant type: single nucleotide variant.
Coding change: c.14664G>A on transcript NM_206933.4 (MANE Select); coding-DNA position 14664, G replaced by A.
Protein change: p.Thr4888=; no amino-acid change (threonine 4888 retained).
Molecular consequence: synonymous variant.
Genome position (GRCh38, 1-based): chr1:215,647,649, C>T on the plus strand (G>A on the coding strand, the complement: USH2A is on the minus strand). VCF-style: chr1-215647649-C-T. GRCh37 (hg19) VCF-style: chr1-215820991-C-T.
Identifiers: ClinVar variation 48445 (VCV000048445.71), dbSNP rs111033525, ClinGen allele CA143366.
Genomic context (GRCh38, chr1:215,647,649, plus strand): 5'-TCTCAGCTTGTATGTGGTGTAGGGCTGGAGACCCCCAAGGCTGGCTTTCTGCCCCAGCCC[C>T]GTGTACTTTGTTTCTATTTGGCTGGGAGTACAGGGGAGGGCTGAGTCAGGAGGGCAAGCC-3'
Protein context (NP_996816.3, residues 4878-4898): CTPSQIETKY[Thr4888=]GLGQKASLGG